The following is an entry in ClinVar:

ClinVar aggregate classification (germline): Uncertain significance. Review status: criteria provided, multiple submitters, no conflicts (2 of 4 stars). 2 submissions from 2 submitters: Uncertain significance (2). Last evaluated 2025-05-21.

Conditions:
Early-infantile DEE. Also called: Ohtahara syndrome; Early infantile epileptic encephalopathy with suppression bursts; Early infantile epileptic encephalopathy. Identifiers: Orphanet 1934, MedGen C0393706, MONDO:0800491.

Submissions (2):

GeneDx
Classification: Uncertain significance. Last evaluated: 2025-05-21. Review status: criteria provided, single submitter. Criteria: GeneDx Variant Classification Process June 2021. Collection method: clinical testing. Allele origin: germline. Affected: yes.
Comment: Not observed at significant frequency in large population cohorts (gnomAD); In silico analysis suggests that this missense variant does not alter protein structure/function; This substitution is predicted to be within the N-terminal cytoplasmic domain; Has not been previously published as pathogenic or benign to our knowledge

Labcorp Genetics (formerly Invitae), Labcorp
Classification: Uncertain significance for Early-infantile DEE. Last evaluated: 2020-06-29. Review status: criteria provided, single submitter. Criteria: Invitae Variant Classification Sherloc (09022015). Collection method: clinical testing. Allele origin: germline.
Comment: Algorithms developed to predict the effect of missense changes on protein structure and function (SIFT, PolyPhen-2, Align-GVGD) all suggest that this variant is likely to be tolerated, but these predictions have not been confirmed by published functional studies and their clinical significance is uncertain. In summary, the available evidence is currently insufficient to determine the role of this variant in disease. Therefore, it has been classified as a Variant of Uncertain Significance. Algorithms developed to predict the effect of sequence changes on RNA splicing suggest that this variant may create or strengthen a splice site, but this prediction has not been confirmed by published transcriptional studies. This variant has not been reported in the literature in individuals with SCN8A-related conditions. This variant is not present in population databases (ExAC no frequency). This sequence change replaces proline with arginine at codon 19 of the SCN8A protein (p.Pro19Arg). The proline residue is moderately conserved and there is a moderate physicochemical difference between proline and arginine.

NM_001330260.2(SCN8A):c.56C>G (p.Pro19Arg)

Genes: SCN8A (sodium voltage-gated channel alpha subunit 8; plus strand), LOC114803470 (SCN8A eExon liver enhancer; plus strand). Cytogenetic location: 12q13.13.
Variant type: single nucleotide variant.
Coding change: c.56C>G on transcript NM_001330260.2 (MANE Select); coding-DNA position 56, C replaced by G.
Protein change: p.Pro19Arg; replaces proline 19 with arginine.
Molecular consequence: missense variant.
Genome position (GRCh38, 1-based): chr12:51,662,873, C>G. VCF-style: chr12-51662873-C-G. GRCh37 (hg19) VCF-style: chr12-52056657-C-G.
Other names: c.56C>G, p.Pro19Arg (NM_001177984.3, NM_001369788.1, NM_014191.4); c.56C>G (NM_014191.3); short protein forms P19R.
Identifiers: ClinVar variation 1047178 (VCV001047178.11), dbSNP rs1940951099, ClinGen allele CA385227526.
Genomic context (GRCh38, chr12:51,662,873, plus strand): 5'-AGAAGATGGCAGCGCGGCTGCTTGCACCACCAGGCCCTGATAGTTTCAAGCCTTTCACCC[C>G]TGAGTCACTGGCAAACATTGAGAGGCGCATTGCTGAGAGCAAGCTCAAGAAACCACCAAA-3'
Protein context (NP_001317189.1, residues 9-29): PGPDSFKPFT[Pro19Arg]ESLANIERRI